The following is an entry in ClinVar:

ClinVar aggregate classification (germline): Pathogenic (1 of 4 stars; one submission).

Conditions:
Ectrodactyly, ectodermal dysplasia, and cleft lip-palate syndrome 3. Also called: EEC SYNDROME 3; Ectrodactyly, Ectodermal Dysplasia, Clefting Syndrome Type 3 (EEC3); Ectrodactyly, Ectodermal Dysplasia, Cleft Lip/Palate Syndrome 3 (EEC3); Ectrodactyly, Ectodermal Dysplasia, Clefting Syndrome. Identifiers: Orphanet 1896, MedGen C1858562, MONDO:0011428, OMIM 604292.

Submission:

Laboratory of Human Genetics, Universidade de São Paulo
Classification: Pathogenic for Ectrodactyly, ectodermal dysplasia, and cleft lip/palate syndrome 3. Last evaluated: 2014-02-11. Review status: criteria provided, single submitter. Criteria: Submitter's publication. Collection method: research. Allele origin: paternal, maternal. Inheritance: Autosomal dominant inheritance. Affected: yes. Observed: 2 heterozygotes. Clinical features observed: Bilateral split hand and split foot malformation, Cleft lip, Cleft palate, Dracryocystitis, Lacrimal duct obstruction, Corneal ulceration, Blepharitis, Blepharophimosis, Bilateral sensorineural hearing loss, Hypodontia, Hypothyroidism, Malformation of the leg bones, and 1 more.
Comment: This clinical overlap could demonstrate that the distinctions between EEC and ADULT syndromes are somewhat artificial. This could indicate that the mutation c.1037C>G might also be associated with nonsyndromic SHFM.

the two affected individuals represent an affected mother and son.

Literature cited by the submitters: PubMed 19903181.

NM_003722.5(TP63):c.1037C>G (p.Ala346Gly)

Gene: TP63 (tumor protein p63; plus strand). Cytogenetic location: 3q28.
Variant type: single nucleotide variant.
Coding change: c.1037C>G on transcript NM_003722.5 (MANE Select); coding-DNA position 1037, C replaced by G.
Protein change: p.Ala346Gly; replaces alanine 346 with glycine.
Molecular consequence: missense variant.
Genome position (GRCh38, 1-based): chr3:189,868,624, C>G. VCF-style: chr3-189868624-C-G. GRCh37 (hg19) VCF-style: chr3-189586413-C-G.
Other names: c.1037C>G, p.Ala346Gly (NM_001114978.2, NM_001114979.2, NM_001329144.2 and 1 more transcripts); c.755C>G, p.Ala252Gly (NM_001114980.2, NM_001114981.2, NM_001114982.2 and 2 more transcripts); c.500C>G, p.Ala167Gly (NM_001329146.2, NM_001329150.2); c.1031C>G, p.Ala344Gly (NM_001329964.2); short protein forms A346G, A252G, A167G, A344G.
Identifiers: ClinVar variation 208418 (VCV000208418.2), dbSNP rs797044484, ClinGen allele CA204448.